The following is an entry in ClinVar:

ClinVar aggregate classification (germline): Uncertain significance (1 of 4 stars; one submission).

Submission:

Labcorp Genetics (formerly Invitae), Labcorp
Classification: Uncertain significance. Last evaluated: 2025-11-03. Review status: criteria provided, single submitter. Criteria: Invitae Variant Classification Sherloc (09022015). Collection method: clinical testing. Allele origin: germline.
Comment: This sequence change replaces leucine, which is neutral and non-polar, with proline, which is neutral and non-polar, at codon 219 of the ANGPT1 protein (p.Leu219Pro). This variant is not present in population databases (gnomAD no frequency). This variant has not been reported in the literature in individuals affected with ANGPT1-related conditions. ClinVar contains an entry for this variant (Variation ID: 2093129). An algorithm developed to predict the effect of missense changes on protein structure and function (PolyPhen-2) suggests that this variant is likely to be disruptive. In summary, the available evidence is currently insufficient to determine the role of this variant in disease. Therefore, it has been classified as a Variant of Uncertain Significance.

NM_001146.5(ANGPT1):c.656T>C (p.Leu219Pro)

Gene: ANGPT1 (angiopoietin 1; minus strand). Cytogenetic location: 8q23.1.
Variant type: single nucleotide variant.
Coding change: c.656T>C on transcript NM_001146.5 (MANE Select); coding-DNA position 656, T replaced by C.
Protein change: p.Leu219Pro; replaces leucine 219 with proline.
Molecular consequence: missense variant.
Genome position (GRCh38, 1-based): chr8:107,322,048, A>G on the plus strand (T>C on the coding strand, the complement: ANGPT1 is on the minus strand). VCF-style: chr8-107322048-A-G. GRCh37 (hg19) VCF-style: chr8-108334276-A-G.
Other names: c.656T>C, p.Leu219Pro (NM_001199859.3); c.56T>C, p.Leu19Pro (NM_001314051.2); short protein forms L19P, L219P.
Identifiers: ClinVar variation 2093129 (VCV002093129.4), dbSNP rs2488252312, ClinGen allele CA372034137.